The following is an entry in ClinVar:

NC_000016.9:g.(?_68840396)_(68842352_?)del

Gene: CDH1 (cadherin 1; plus strand). Cytogenetic location: 16q22.1.
Variant type: Deletion.
Identifiers: ClinVar variation 1512593 (VCV001512593.5).

ClinVar aggregate classification (germline): Likely pathogenic (1 of 4 stars; one submission).

Conditions:
Hereditary diffuse gastric adenocarcinoma (HDGC). Also called: DIFFUSE GASTRIC AND LOBULAR BREAST CANCER SYNDROME. Identifiers: Orphanet 26106, MedGen C1708349, MONDO:0007648, OMIM 137215.

Submission:

Labcorp Genetics (formerly Invitae), Labcorp
Classification: Likely pathogenic for Hereditary diffuse gastric adenocarcinoma. Last evaluated: 2021-06-15. Review status: criteria provided, single submitter. Criteria: Invitae Variant Classification Sherloc (09022015). Collection method: clinical testing. Allele origin: germline.
Comment: In summary, the currently available evidence indicates that the variant is pathogenic, but additional data are needed to prove that conclusively. Therefore, this variant has been classified as Likely Pathogenic. This variant has not been reported in the literature in individuals with CDH1-related conditions. This variant results in the deletion of part of exon 4 (c.388-1930_413delinsAAAT) of the CDH1 gene. It is expected to disrupt RNA splicing. Variants that disrupt the donor or acceptor splice site typically lead to a loss of protein function (PMID: 16199547), and loss-of-function variants in CDH1 are known to be pathogenic (PMID: 15235021, 20373070).

Literature cited by the submitters: PubMed 16199547; PubMed 15235021; PubMed 20373070.